The following is an entry in ClinVar:

ClinVar aggregate classification (germline): Uncertain significance (1 of 4 stars; one submission).

Conditions:
Cardiovascular phenotype. Identifiers: MedGen CN230736.

Submission:

Ambry Genetics
Classification: Uncertain significance for Cardiovascular phenotype. Last evaluated: 2024-04-16. Review status: criteria provided, single submitter. Criteria: Ambry Variant Classification Scheme 2023. Collection method: clinical testing. Allele origin: germline.
Comment: The p.M209L variant (also known as c.625A>T), located in coding exon 6 of the EFEMP2 gene, results from an A to T substitution at nucleotide position 625. The methionine at codon 209 is replaced by leucine, an amino acid with highly similar properties. This amino acid position is conserved. In addition, the in silico prediction for this alteration is inconclusive. Based on the available evidence, the clinical significance of this variant remains unclear.

NM_016938.5(EFEMP2):c.625A>T (p.Met209Leu)

Gene: EFEMP2 (EGF containing fibulin extracellular matrix protein 2; minus strand). Cytogenetic location: 11q13.1.
Variant type: single nucleotide variant.
Coding change: c.625A>T on transcript NM_016938.5 (MANE Select); coding-DNA position 625, A replaced by T.
Protein change: p.Met209Leu; replaces methionine 209 with leucine.
Molecular consequence: missense variant. On other transcripts: non-coding transcript variant (1).
Genome position (GRCh38, 1-based): chr11:65,869,959, T>A on the plus strand (A>T on the coding strand, the complement: EFEMP2 is on the minus strand). VCF-style: chr11-65869959-T-A. GRCh37 (hg19) VCF-style: chr11-65637430-T-A.
Other names: short protein forms M209L.
Identifiers: ClinVar variation 3274660 (VCV003274660.1).